The following is an entry in ClinVar:

ClinVar aggregate classification (germline): Pathogenic (1 of 4 stars; one submission).

Conditions:
Glycogen storage disease, type V (GSD5). Also called: MUSCLE GLYCOGEN PHOSPHORYLASE DEFICIENCY; MYOPHOSPHORYLASE DEFICIENCY; PYGM DEFICIENCY; McArdle type glycogen storage disease; MCARDLE DISEASE. Identifiers: Orphanet 368, MedGen C0017924, MONDO:0009293, OMIM 232600.

Submission:

Labcorp Genetics (formerly Invitae), Labcorp
Classification: Pathogenic for Glycogen storage disease, type V. Last evaluated: 2025-09-15. Review status: criteria provided, single submitter. Criteria: Invitae Variant Classification Sherloc (09022015). Collection method: clinical testing. Allele origin: germline.
Comment: This sequence change creates a premature translational stop signal (p.His37Ilefs*5) in the PYGM gene. It is expected to result in an absent or disrupted protein product. Loss-of-function variants in PYGM are known to be pathogenic (PMID: 8316268, 16786513). This variant is not present in population databases (gnomAD no frequency). This variant has not been reported in the literature in individuals affected with PYGM-related conditions. ClinVar contains an entry for this variant (Variation ID: 2820888). Algorithms developed to predict the effect of sequence changes on RNA splicing suggest that this variant may create or strengthen a splice site. For these reasons, this variant has been classified as Pathogenic.

Literature cited by the submitters: PubMed 8316268; PubMed 16786513.

NM_005609.4(PYGM):c.108del (p.His37fs)

Gene: PYGM (glycogen phosphorylase, muscle associated; minus strand). Cytogenetic location: 11q13.1.
Variant type: Deletion.
Coding change: c.108del on transcript NM_005609.4 (MANE Select); coding-DNA position 108, one base deleted (G; older notation c.108delG).
Protein change: p.His37fs; shifts the reading frame from histidine 37.
Molecular consequence: frameshift variant.
Genome position (GRCh38, 1-based): chr11:64,759,791, C deleted on the plus strand (G on the coding strand, the reverse complement: PYGM is on the minus strand). VCF-style (leftmost placement, unchanged base first): chr11-64759790-GC-G. GRCh37 (hg19) VCF-style: chr11-64527262-GC-G.
Other names: c.108del, p.His37fs (NM_001164716.1); short protein forms H37fs.
Identifiers: ClinVar variation 2820888 (VCV002820888.3), dbSNP rs2496675586, ClinGen allele CA2574865090.